The following is an entry in ClinVar:

NM_014846.4(WASHC5):c.1009G>C (p.Val337Leu)

Gene: WASHC5 (WASH complex subunit 5; minus strand). Cytogenetic location: 8q24.13.
Variant type: single nucleotide variant.
Coding change: c.1009G>C on transcript NM_014846.4 (MANE Select); coding-DNA position 1009, G replaced by C.
Protein change: p.Val337Leu; replaces valine 337 with leucine.
Molecular consequence: missense variant.
Genome position (GRCh38, 1-based): chr8:125,073,294, C>G on the plus strand (G>C on the coding strand, the complement: WASHC5 is on the minus strand). VCF-style: chr8-125073294-C-G. GRCh37 (hg19) VCF-style: chr8-126085536-C-G.
Other names: c.565G>C, p.Val189Leu (NM_001330609.2); short protein forms V189L, V337L.
Identifiers: ClinVar variation 2658805 (VCV002658805.24), dbSNP rs1413503384, ClinGen allele CA372194428.

ClinVar aggregate classification (germline): Uncertain significance (1 of 4 stars; one submission).

Allele frequency attached by ClinVar (database versions not stated): gnomAD 0.00001.
gnomAD v4.1: 2 of 1,613,902 alleles (0.00012%); highest among the groups gnomAD compares: Non-Finnish European, 0.00017%; no homozygotes.

Submission:

CeGaT Center for Human Genetics Tuebingen
Classification: Uncertain significance. Last evaluated: 2023-02-01. Review status: criteria provided, single submitter. Criteria: CeGaT Center For Human Genetics Tuebingen Variant Classification Criteria Version 2. Collection method: clinical testing. Allele origin: germline. Affected: yes. Observed: 1 variant allele.
Comment: WASHC5: PM2, BP4